The following is an entry in ClinVar:

ClinVar aggregate classification (germline): Pathogenic (1 of 4 stars; one submission).

Conditions:
Autosomal recessive polycystic kidney disease (ARPKD). Also called: AR polycystic kidney disease. Identifiers: Orphanet 731, Orphanet 8378, MedGen C0085548, MeSH D017044, MONDO:0009889.

Submission:

Natera, Inc.
Classification: Pathogenic for Autosomal recessive polycystic kidney disease. Last evaluated: 2025-10-14. Review status: criteria provided, single submitter. Criteria: Natera Variant Classification Schema (03/2026). Collection method: clinical testing. Allele origin: germline.
Comment: The c.5088_5089del variant in PKHD1 is a frameshift variant predicted to shift the reading frame and introduce a stop codon. This variant is expected to result in nonsense mediated decay, truncation, or a dysfunctional protein product. This variant is rare in the general population with a frequency below the threshold expected for the associated phenotype(s). This variant has been observed in one or more individuals affected with the associated recessive disease, as either homozygous or compound heterozygous with a second variant (PMID: 29956005). Given the available evidence, this variant is classified as Pathogenic.

Literature cited by the submitters: PubMed 29956005.

NM_138694.4(PKHD1):c.5088_5089del (p.Ser1696_Gly1697insTer)

Genes: PKHD1 (PKHD1 ciliary IPT domain containing fibrocystin/polyductin; minus strand), LOC126859690 (MED14-independent group 3 enhancer GRCh37_chr6:51888848-51890047; plus strand). Cytogenetic location: 6p12.2.
Variant type: Deletion.
Coding change: c.5088_5089del on transcript NM_138694.4 (MANE Select); coding-DNA positions 5088 to 5089, 2 bases deleted (TG; older notation c.5088_5089delTG).
Protein change: p.Ser1696_Gly1697insTer.
Molecular consequence: frameshift variant.
Genome position (GRCh38, 1-based): chr6:52,024,721-52,024,722, CA deleted on the plus strand (TG on the coding strand, the reverse complement: PKHD1 is on the minus strand). VCF-style (leftmost placement, unchanged base first): chr6-52024720-CCA-C. GRCh37 (hg19) VCF-style: chr6-51889518-CCA-C.
Other names: c.5088_5089del, p.Ser1696_Gly1697insTer (NM_170724.3).
Identifiers: ClinVar variation 4816684 (VCV004816684.1).